The following is an entry in ClinVar:

ClinVar aggregate classification (germline): Uncertain significance. Review status: criteria provided, multiple submitters, no conflicts (2 of 4 stars). 2 submissions from 2 submitters: Uncertain significance (2). Last evaluated 2025-12-15.

Conditions:
Malignant hyperthermia, susceptibility to, 5 (MHS5). Also called: CACNA1S-Related Malignant Hyperthermia Susceptibility. Identifiers: Orphanet 423, MedGen C1866077, MONDO:0011163, OMIM 601887.
Inborn genetic diseases. Identifiers: MedGen C0950123, MeSH D030342.

Allele frequency attached by ClinVar (database versions not stated): TOPMed below 0.00001; gnomAD exomes 0.00001; ExAC 0.00002.
gnomAD v4.1: 13 of 1,614,078 alleles (0.00081%); highest among the groups gnomAD compares: South Asian, 0.0077%; no homozygotes.

Submissions (2):

Ambry Genetics
Classification: Uncertain significance for Inborn genetic diseases. Last evaluated: 2025-12-15. Review status: criteria provided, single submitter. Criteria: Ambry Variant Classification Scheme 2023. Collection method: clinical testing. Allele origin: germline.

All of Us Research Program, National Institutes of Health
Classification: Uncertain significance for Malignant hyperthermia, susceptibility to, 5. Last evaluated: 2023-12-13. Review status: criteria provided, single submitter. Criteria: ACMG Guidelines, 2015. Collection method: clinical testing. Allele origin: germline. Inheritance: Autosomal dominant inheritance. Observed: 2 variant alleles, 2 heterozygotes.
Comment: This missense variant replaces methionine with valine at codon 870 of the CACNA1S protein. Computational prediction suggests that this variant may not impact protein structure and function (internally defined REVEL score threshold <= 0.5, PMID: 27666373). To our knowledge, functional studies have not been reported for this variant. This variant has not been reported in individuals affected with CACNA1S-related disorders in the literature. This variant has been identified in 2/251426 chromosomes in the general population by the Genome Aggregation Database (gnomAD). The available evidence is insufficient to determine the role of this variant in disease conclusively. Therefore, this variant is classified as a Variant of Uncertain Significance.

This study involves interpretation of variants in research participants for the purpose of population health screening. Participant phenotype was not available at the time of variant classification. Additional details can be found in publication PMID: 35346344, PMCID: PMC8962531

NM_000069.3(CACNA1S):c.2608A>G (p.Met870Val)

Gene: CACNA1S (calcium voltage-gated channel subunit alpha1 S; minus strand). Cytogenetic location: 1q32.1.
Variant type: single nucleotide variant.
Coding change: c.2608A>G on transcript NM_000069.3 (MANE Select); coding-DNA position 2608, A replaced by G.
Protein change: p.Met870Val; replaces methionine 870 with valine.
Molecular consequence: missense variant.
Genome position (GRCh38, 1-based): chr1:201,066,936, T>C on the plus strand (A>G on the coding strand, the complement: CACNA1S is on the minus strand). VCF-style: chr1-201066936-T-C. GRCh37 (hg19) VCF-style: chr1-201036064-T-C.
Other names: c.2608A>G (NM_000069.2); short protein forms M870V.
Identifiers: ClinVar variation 3074828 (VCV003074828.2), dbSNP rs775432023, ClinGen allele CA079136.